The following is an entry in ClinVar:

ClinVar aggregate classification (germline): Uncertain significance (1 of 4 stars; one submission).

Allele frequency attached by ClinVar (database versions not stated): TOPMed below 0.00001; gnomAD 0.00001; gnomAD exomes 0.00001; ExAC 0.00007.
gnomAD v4.1: 3 of 1,545,546 alleles (0.00019%); highest among the groups gnomAD compares: Non-Finnish European, 0.00026%; no homozygotes.

Submission:

Labcorp Genetics (formerly Invitae), Labcorp
Classification: Uncertain significance. Last evaluated: 2022-04-04. Review status: criteria provided, single submitter. Criteria: Invitae Variant Classification Sherloc (09022015). Collection method: clinical testing. Allele origin: germline.
Comment: Algorithms developed to predict the effect of missense changes on protein structure and function are either unavailable or do not agree on the potential impact of this missense change (SIFT: "Deleterious"; PolyPhen-2: "Benign"; Align-GVGD: "Class C0"). In summary, the available evidence is currently insufficient to determine the role of this variant in disease. Therefore, it has been classified as a Variant of Uncertain Significance. ClinVar contains an entry for this variant (Variation ID: 1015612). This sequence change replaces alanine, which is neutral and non-polar, with aspartic acid, which is acidic and polar, at codon 614 of the DTHD1 protein (p.Ala614Asp). This variant is not present in population databases (gnomAD no frequency). This variant has not been reported in the literature in individuals affected with DTHD1-related conditions.

NM_001170700.3(DTHD1):c.2711C>A (p.Ala904Asp)

Gene: DTHD1 (death domain containing 1; plus strand). Cytogenetic location: 4p14.
Variant type: single nucleotide variant.
Coding change: c.2711C>A on transcript NM_001170700.3 (MANE Select); coding-DNA position 2711, C replaced by A.
Protein change: p.Ala904Asp; replaces alanine 904 with aspartic acid.
Molecular consequence: missense variant. On other transcripts: 3 prime UTR variant (1), non-coding transcript variant (2).
Genome position (GRCh38, 1-based): chr4:36,343,814, C>A. VCF-style: chr4-36343814-C-A. GRCh37 (hg19) VCF-style: chr4-36345436-C-A.
Other names: c.1841C>A, p.Ala614Asp (NM_001136536.5); c.*1C>A (NM_001378435.1); short protein forms A614D, A904D.
Identifiers: ClinVar variation 1015612 (VCV001015612.8), dbSNP rs772571231, ClinGen allele CA2885767.